The following is an entry in ClinVar:

ClinVar aggregate classification (germline): Uncertain significance (1 of 4 stars; one submission).

Conditions:
Hereditary cancer-predisposing syndrome. Also called: Hereditary Cancer Syndrome; Hereditary neoplastic syndrome; Neoplastic Syndromes, Hereditary; Tumor predisposition. Identifiers: Orphanet 140162, MedGen C0027672, MeSH D009386, MONDO:0015356.

Submission:

Ambry Genetics
Classification: Uncertain significance for Hereditary cancer-predisposing syndrome. Last evaluated: 2025-12-13. Review status: criteria provided, single submitter. Criteria: Ambry Variant Classification Scheme 2023. Collection method: clinical testing. Allele origin: germline.
Comment: The p.P47R variant (also known as c.140C>G), located in coding exon 1 of the CHEK2 gene, results from a C to G substitution at nucleotide position 140. The proline at codon 47 is replaced by arginine, an amino acid with dissimilar properties. This amino acid position is conserved. In addition, this alteration is predicted to be tolerated by in silico analysis. Since supporting evidence is limited at this time, the clinical significance of this alteration remains unclear.

NM_007194.4(CHEK2):c.140C>G (p.Pro47Arg)

Gene: CHEK2 (checkpoint kinase 2; minus strand). Cytogenetic location: 22q12.1.
Variant type: single nucleotide variant.
Coding change: c.140C>G on transcript NM_007194.4 (MANE Select); coding-DNA position 140, C replaced by G.
Protein change: p.Pro47Arg; replaces proline 47 with arginine.
Molecular consequence: missense variant.
Genome position (GRCh38, 1-based): chr22:28,734,582, G>C on the plus strand (C>G on the coding strand, the complement: CHEK2 is on the minus strand). VCF-style: chr22-28734582-G-C. GRCh37 (hg19) VCF-style: chr22-29130570-G-C.
Other names: c.140C>G, p.Pro47Arg (NM_001005735.3, NM_001349956.3, NM_145862.3); c.-638C>G (NM_001257387.3); short protein forms P47R.
Identifiers: ClinVar variation 1771984 (VCV001771984.3), dbSNP rs2146150293, ClinGen allele CA411091103.